The following is an entry in ClinVar:

NM_007294.4(BRCA1):c.3190A>G (p.Ser1064Gly)

Gene: BRCA1 (BRCA1 DNA repair associated; minus strand). Cytogenetic location: 17q21.31.
Variant type: single nucleotide variant.
Coding change: c.3190A>G on transcript NM_007294.4 (MANE Select); coding-DNA position 3190, A replaced by G.
Protein change: p.Ser1064Gly; replaces serine 1064 with glycine.
Molecular consequence: missense variant. On other transcripts: intron variant (137).
Genome position (GRCh38, 1-based): chr17:43,092,341, T>C on the plus strand (A>G on the coding strand, the complement: BRCA1 is on the minus strand). VCF-style: chr17-43092341-T-C. GRCh37 (hg19) VCF-style: chr17-41244358-T-C.
Other names: c.3067A>G, p.Ser1023Gly (NM_001407938.1, NM_001407939.1, NM_001407648.1 and 19 more transcripts); c.3064A>G, p.Ser1022Gly (NM_001407940.1, NM_001407941.1, NM_001407649.1 and 11 more transcripts); c.3049A>G, p.Ser1017Gly (NM_001407942.1, NM_001407944.1, NM_001407945.1 and 29 more transcripts); c.3046A>G, p.Ser1016Gly (NM_001407943.1, NM_001407964.1, NM_001407740.1 and 20 more transcripts); c.2857A>G, p.Ser953Gly (NM_001407948.1, NM_001407949.1, NM_001407950.1 and 6 more transcripts); c.2854A>G, p.Ser952Gly (NM_001407954.1, NM_001407955.1, NM_001407956.1 and 1 more transcripts); c.2809A>G, p.Ser937Gly (NM_001407959.1, NM_001407960.1, NM_001407963.1); c.2806A>G, p.Ser936Gly (NM_001407962.1); and 41 more; short protein forms S1017G, S1064G, S1023G, S768G, S952G, S996G, S1037G, S1061G.
Identifiers: ClinVar variation 1055401 (VCV001055401.20), dbSNP rs273899702, ClinGen allele CA10595607.

ClinVar aggregate classification (germline): Conflicting classifications of pathogenicity. Review status: criteria provided, conflicting classifications (1 of 4 stars). 2 submissions from 2 submitters: Uncertain significance (1); Likely benign (1). Last evaluated 2023-03-23.

Conditions:
Hereditary cancer-predisposing syndrome. Also called: Hereditary Cancer Syndrome; Tumor predisposition; Hereditary neoplastic syndrome; Neoplastic Syndromes, Hereditary. Identifiers: Orphanet 140162, MedGen C0027672, MeSH D009386, MONDO:0015356.
Hereditary breast ovarian cancer syndrome. Also called: Hereditary breast and/or ovarian cancer syndrome; Hereditary breast and ovarian cancer syndrome; Hereditary breast and ovarian cancer syndrome (HBOC); Breast and ovarian cancer; Hereditary breast and ovarian cancer; BRCA1- and BRCA2-Associated Hereditary Breast and Ovarian Cancer. Identifiers: Orphanet 145, MedGen C0677776, MeSH D061325, MONDO:0003582. Disease mechanism: loss of function.

Submissions (2):

University of Washington Department of Laboratory Medicine, University of Washington
Classification: Likely benign for Hereditary cancer-predisposing syndrome. Last evaluated: 2023-03-23. Review status: criteria provided, single submitter. Criteria: Dines et al. (Genet Med. 2020). Collection method: curation. Allele origin: germline.
Comment: Missense variant in a coldspot region where missense variants are very unlikely to be pathogenic (PMID:31911673).

BRCA1 coldspot (exon 11 using historical exon numbering). Reclassification based on statistical prior probability

Labcorp Genetics (formerly Invitae), Labcorp
Classification: Uncertain significance for Hereditary breast ovarian cancer syndrome. Last evaluated: 2020-02-04. Review status: criteria provided, single submitter. Criteria: Invitae Variant Classification Sherloc (09022015). Collection method: clinical testing. Allele origin: germline.
Comment: This variant has not been reported in the literature in individuals with BRCA1-related conditions. This variant is not present in population databases (ExAC no frequency). This sequence change replaces serine with glycine at codon 1064 of the BRCA1 protein (p.Ser1064Gly). The serine residue is moderately conserved and there is a small physicochemical difference between serine and glycine. Algorithms developed to predict the effect of missense changes on protein structure and function are either unavailable or do not agree on the potential impact of this missense change (SIFT: "Tolerated"; PolyPhen-2: "Possibly Damaging"; Align-GVGD: "Class C0"). In summary, the available evidence is currently insufficient to determine the role of this variant in disease. Therefore, it has been classified as a Variant of Uncertain Significance.